The following is an entry in ClinVar:

NM_000038.6(APC):c.4463dup (p.Leu1488fs)

Gene: APC (APC regulator of Wnt signaling pathway; plus strand). Cytogenetic location: 5q22.2.
Variant type: Duplication.
Coding change: c.4463dup on transcript NM_000038.6 (MANE Select); coding-DNA position 4463, one base duplicated (T; older notation c.4463dupT).
Protein change: p.Leu1488fs; shifts the reading frame from leucine 1488.
Molecular consequence: frameshift variant.
Genome position (GRCh38, 1-based): chr5:112,840,057, T duplicated; the last of 3 consecutive T bases (chr5:112,840,055-112,840,057); duplicating any one gives the same sequence. VCF-style (leftmost placement, unchanged base first): chr5-112840054-C-CT. GRCh37 (hg19) VCF-style: chr5-112175751-C-CT.
Other names: c.4463dup, p.Leu1488fs (NM_001127510.3, NM_001354895.2); c.4409dup, p.Leu1470fs (NM_001127511.3); c.4517dup, p.Leu1506fs (NM_001354896.2); c.4493dup, p.Leu1498fs (NM_001354897.2); c.4388dup, p.Leu1463fs (NM_001354898.2); c.4379dup, p.Leu1460fs (NM_001354899.2); c.4340dup, p.Leu1447fs (NM_001354900.2); c.4286dup, p.Leu1429fs (NM_001354901.2); and 6 more; short protein forms L1387fs, L1447fs, L1506fs, L1205fs, L1328fs, L1470fs, L1429fs, L1362fs.
Identifiers: ClinVar variation 572529 (VCV000572529.16), dbSNP rs1114167577, ClinGen allele CA446206501.
Genomic context (GRCh38, chr5:112,840,054, plus strand): 5'-CTAAGCAAGCTGCAGTAAATGCTGCAGTTCAGAGGGTCCAGGTTCTTCCAGATGCTGATA[C>CT]TTTATTACATTTTGCCACGGAAAGTACTCCAGATGGATTTTCTTGTTCATCCAGCCTGAG-3'

ClinVar aggregate classification (germline): Pathogenic. Review status: criteria provided, multiple submitters, no conflicts (2 of 4 stars). 3 submissions from 3 submitters: Pathogenic (3). Last evaluated 2025-08-04.
ClinVar aggregate classification (oncogenicity): Oncogenic (1 of 4 stars; one submission).

Conditions:
Familial adenomatous polyposis 1 (FAP1). Also called: POLYPOSIS, ADENOMATOUS INTESTINAL; FAMILIAL ADENOMATOUS POLYPOSIS 1, ATTENUATED. Identifiers: MedGen C2713442, MONDO:0021056, OMIM 175100. Disease mechanism: loss of function.
Hereditary cancer-predisposing syndrome. Also called: Neoplastic Syndromes, Hereditary; Hereditary Cancer Syndrome; Tumor predisposition; Hereditary neoplastic syndrome. Identifiers: Orphanet 140162, MedGen C0027672, MeSH D009386, MONDO:0015356.
Neoplasm. Also called: Neoplasms; Neoplasm (disease); tumor. Identifiers: MedGen C0027651, MeSH D009369, MONDO:0005070, HP:0002664.

Submissions (4):

Ambry Genetics
Classification: Pathogenic for Hereditary cancer-predisposing syndrome. Last evaluated: 2025-08-04. Review status: criteria provided, single submitter. Criteria: Ambry Variant Classification Scheme 2023. Collection method: clinical testing. Allele origin: germline.
Comment: The c.4463dupT pathogenic mutation, located in coding exon 15 of the APC gene, results from a duplication of T at nucleotide position 4463, causing a translational frameshift with a predicted alternate stop codon (p.L1488Ffs*26). This alteration occurs at the 3' terminus of theAPC gene, is not expected to trigger nonsense-mediated mRNA decay, and impacts the last 48% of the protein. However, premature stop codons are typically deleterious in nature and the impacted region is critical for protein function (Ambry internal data). This variant was reported in individual(s) with features consistent with familial adenomatous polyposis (Ambry internal data). This variant is considered to be rare based on population cohorts in the Genome Aggregation Database (gnomAD). Based on the supporting evidence, this variant is interpreted as a disease-causing mutation.

Center for Genomic Medicine, Rigshospitalet, Copenhagen University Hospital
Classification: Oncogenic for Neoplasm. Last evaluated: 2025-03-04. Review status: criteria provided, single submitter. Criteria: ClinGen/CGC/VICC Guidelines for Oncogenicity, 2022. Collection method: clinical testing. Allele origin: somatic. Affected: yes.

Myriad Genetics, Inc.
Classification: Pathogenic for Familial adenomatous polyposis 1. Last evaluated: 2023-05-11. Review status: criteria provided, single submitter. Criteria: Myriad Autosomal Dominant, Autosomal Recessive and X-Linked Classification Criteria (2023). Collection method: clinical testing. Allele origin: unknown.
Comment: This variant is considered pathogenic. This variant creates a frameshift predicted to result in premature protein truncation.

Labcorp Genetics (formerly Invitae), Labcorp
Classification: Pathogenic for Familial adenomatous polyposis 1. Last evaluated: 2022-01-17. Review status: criteria provided, single submitter. Criteria: Invitae Variant Classification Sherloc (09022015). Collection method: clinical testing. Allele origin: germline.
Comment: This variant is expected to disrupt the EB1 and HDLG binding sites, which mediate interactions with the cytoskeleton (PMID: 15311282, 17293347). While functional studies have not been performed to directly test the effect on APC protein function, this suggests that disruption of the C-terminal portion of the protein is functionally important. For these reasons, this variant has been classified as Pathogenic. A different truncation (p.Tyr2645Lysfs*14) that lies downstream of this variant has been determined to be pathogenic (PMID: 9824584, 1316610, 27081525, 8381579, 22135120, Invitae). This suggests that deletion of this region of the APC protein is causative of disease. ClinVar contains an entry for this variant (Variation ID: 572529). This variant is also known as 4485insT. This premature translational stop signal has been observed in individual(s) with familialadenomatous polyposis syndrome (FAP) (PMID: 10923044). This variant is not present in population databases (gnomAD no frequency). This sequence change creates a premature translational stop signal (p.Leu1488Phefs*26) in the APC gene. While this is not anticipated to result in nonsense mediated decay, it is expected to disrupt the last 1356 amino acid(s) of the APC protein.

Literature cited by the submitters: PubMed 34352208 (cited by Center for Genomic Medicine, Rigshospitalet, Copenhagen University Hospital); PubMed 10923044 (cited by Center for Genomic Medicine, Rigshospitalet, Copenhagen University Hospital and Labcorp Genetics (formerly Invitae), Labcorp); PubMed 15311282 (cited by Labcorp Genetics (formerly Invitae), Labcorp); PubMed 17293347 (cited by Labcorp Genetics (formerly Invitae), Labcorp); PubMed 9824584 (cited by Labcorp Genetics (formerly Invitae), Labcorp); PubMed 1316610 (cited by Labcorp Genetics (formerly Invitae), Labcorp); PubMed 27081525 (cited by Labcorp Genetics (formerly Invitae), Labcorp); PubMed 8381579 (cited by Labcorp Genetics (formerly Invitae), Labcorp); PubMed 22135120 (cited by Labcorp Genetics (formerly Invitae), Labcorp).